The following is an entry in ClinVar:

NM_020975.6(RET):c.1504G>T (p.Val502Leu)

Gene: RET (ret proto-oncogene; plus strand). Cytogenetic location: 10q11.21.
Variant type: single nucleotide variant.
Coding change: c.1504G>T on transcript NM_020975.6 (MANE Select); coding-DNA position 1504, G replaced by T.
Protein change: p.Val502Leu; replaces valine 502 with leucine.
Molecular consequence: missense variant. On other transcripts: intron variant (15).
Genome position (GRCh38, 1-based): chr10:43,111,447, G>T. VCF-style: chr10-43111447-G-T. GRCh37 (hg19) VCF-style: chr10-43606895-G-T.
Other names: c.626-652G>T (NM_001406779.1, NM_001406781.1, NM_001406785.1 and 3 more transcripts); c.497-652G>T (NM_001406783.1, NM_001406786.1); c.338-652G>T (NM_001406789.1, NM_001406791.1, NM_001406790.1 and 1 more transcripts); c.74-652G>T (NM_001406794.1, NM_001406792.1, NM_001406793.1); c.1504G>T, p.Val502Leu (NM_000323.2, NM_001406743.1, NM_001406744.1 and 6 more transcripts); c.742G>T, p.Val248Leu (NM_001355216.2); c.1375G>T, p.Val459Leu (NM_001406761.1, NM_001406762.1, NM_001406764.1 and 1 more transcripts); c.1216G>T, p.Val406Leu (NM_001406766.1, NM_001406767.1, NM_001406770.1); and 5 more; short protein forms V327L, V406L, V172L, V260L, V370L, V459L, V502L, V248L.
Identifiers: ClinVar variation 2568339 (VCV002568339.4), dbSNP rs770395347, ClinGen allele CA376549994.
Genomic context (GRCh38, chr10:43,111,447, plus strand): 5'-CACTACATGGTGGTGGCCACCGACCAGCAGACCTCTAGGCAGGCCCAGGCCCAGCTGCTT[G>T]TAACAGTGGAGGGGTCATGTGAGTGCCTGCTCCAGGGAGGGAGGGTCGGGGTCCTGGGGG-3'
Protein context (NP_066124.1, residues 492-512): TSRQAQAQLL[Val502Leu]TVEGSYVAEE

ClinVar aggregate classification (germline): Uncertain significance. Review status: criteria provided, multiple submitters, no conflicts (2 of 4 stars). 2 submissions from 2 submitters: Uncertain significance (2). Last evaluated 2024-11-19.

Conditions:
Hereditary cancer-predisposing syndrome. Also called: Hereditary neoplastic syndrome; Hereditary Cancer Syndrome; Neoplastic Syndromes, Hereditary; Tumor predisposition. Identifiers: Orphanet 140162, MedGen C0027672, MeSH D009386, MONDO:0015356.
Multiple endocrine neoplasia, type 2 (MEN2). Identifiers: Orphanet 653, MedGen C4048306, MONDO:0019003. Disease mechanism: gain of function.

Submissions (2):

Labcorp Genetics (formerly Invitae), Labcorp
Classification: Uncertain significance for Multiple endocrine neoplasia, type 2. Last evaluated: 2024-11-19. Review status: criteria provided, single submitter. Criteria: Invitae Variant Classification Sherloc (09022015). Collection method: clinical testing. Allele origin: germline.
Comment: This sequence change replaces valine, which is neutral and non-polar, with leucine, which is neutral and non-polar, at codon 502 of the RET protein (p.Val502Leu). This variant is not present in population databases (gnomAD no frequency). This variant has not been reported in the literature in individuals affected with RET-related conditions. ClinVar contains an entry for this variant (Variation ID: 2568339). An algorithm developed to predict the effect of missense changes on protein structure and function outputs the following: PolyPhen-2: "Benign". The leucine amino acid residue is found in multiple mammalian species, which suggests that this missense change does not adversely affect protein function. In summary, the available evidence is currently insufficient to determine the role of this variant in disease. Therefore, it has been classified as a Variant of Uncertain Significance.

Ambry Genetics
Classification: Uncertain significance for Hereditary cancer-predisposing syndrome. Last evaluated: 2023-04-23. Review status: criteria provided, single submitter. Criteria: Ambry Variant Classification Scheme 2023. Collection method: clinical testing. Allele origin: germline.
Comment: The p.V502L variant (also known as c.1504G>T), located in coding exon 7 of the RET gene, results from a G to T substitution at nucleotide position 1504. The valine at codon 502 is replaced by leucine, an amino acid with highly similar properties. This amino acid position is conserved. In addition, this alteration is predicted to be tolerated by in silico analysis. Since supporting evidence is limited at this time, the clinical significance of this alteration remains unclear.